The following is an entry in ClinVar:

NM_003074.4(SMARCC1):c.2566A>G (p.Lys856Glu)

Gene: SMARCC1 (SWI/SNF related BAF chromatin remodeling complex subunit C1; minus strand). Cytogenetic location: 3p21.31.
Variant type: single nucleotide variant.
Coding change: c.2566A>G on transcript NM_003074.4 (MANE Select); coding-DNA position 2566, A replaced by G.
Protein change: p.Lys856Glu; replaces lysine 856 with glutamic acid.
Molecular consequence: missense variant.
Genome position (GRCh38, 1-based): chr3:47,635,270, T>C on the plus strand (A>G on the coding strand, the complement: SMARCC1 is on the minus strand). VCF-style: chr3-47635270-T-C. GRCh37 (hg19) VCF-style: chr3-47676760-T-C.
Other names: short protein forms K856E.
Identifiers: ClinVar variation 5041334 (VCV005041334.1).
Genomic context (GRCh38, chr3:47,635,270, plus strand): 5'-AGGCAAGAGCAGCTGCTGCGGCTGTGGCAACATTTCCTTCGGAAATTTCATGTTCTACTT[T>C]CTTCTTCCCAGTATCACTTTCTCTTTCTTTACATGTATCAGTGAGTTCTTTGTTCTCTTC-3'
Protein context (NP_003065.3, residues 846-866): KERESDTGKK[Lys856Glu]VEHEISEGNV

ClinVar aggregate classification (germline): Likely benign (1 of 4 stars; one submission).

gnomAD v4.1: 132 of 1,613,464 alleles (0.0082%); highest among the groups gnomAD compares: Admixed American, 0.19%; no homozygotes.

Submission:

CeGaT Center for Human Genetics Tuebingen
Classification: Likely benign. Last evaluated: 2026-09-01. Review status: criteria provided, single submitter. Criteria: CeGaT Center For Human Genetics Tuebingen Variant Classification Criteria Version 2. Collection method: clinical testing. Allele origin: germline. Affected: yes. Observed: 2 variant alleles.
Comment: SMARCC1: BS2